The following is an entry in ClinVar:

ClinVar aggregate classification (germline): Conflicting classifications of pathogenicity. Review status: criteria provided, conflicting classifications (1 of 4 stars). 9 submissions from 9 submitters: Uncertain significance (1); Benign (4); Likely benign (4). Last evaluated 2026-06-01.

Conditions:
Cardiovascular phenotype. Identifiers: MedGen CN230736.
Long QT syndrome (LQTS). Identifiers: MedGen C0023976, MeSH D008133, MONDO:0002442. Disease mechanism: loss of function. Inheritance: Various modes of inheritance.

Allele frequency attached by ClinVar (database versions not stated): gnomAD exomes 0.00006 and 0.00016; 1000 Genomes Project 30x 0.00031; ExAC 0.00038; 1000 Genomes Project 0.00040; ESP Exome Variant Server 0.00054; gnomAD 0.00055 and 0.00062; TOPMed 0.00080.
gnomAD v4.1: 190 of 1,604,998 alleles (0.012%); highest among the groups gnomAD compares: African/African-American, 0.21%; no homozygotes.

Submissions (9):

CeGaT Center for Human Genetics Tuebingen
Classification: Likely benign. Last evaluated: 2026-06-01. Review status: criteria provided, single submitter. Criteria: CeGaT Center For Human Genetics Tuebingen Variant Classification Criteria Version 2. Collection method: clinical testing. Allele origin: germline. Affected: yes. Observed: 3 variant alleles.
Comment: CACNA1C: BP4, BP7, BS1

Labcorp Genetics (formerly Invitae), Labcorp
Classification: Benign for Long QT syndrome. Last evaluated: 2026-02-03. Review status: criteria provided, single submitter. Criteria: Invitae Variant Classification Sherloc (09022015). Collection method: clinical testing. Allele origin: germline.

Mayo Clinic Laboratories, Mayo Clinic
Classification: Likely benign. Last evaluated: 2025-09-30. Review status: criteria provided, single submitter. Criteria: ACMG Guidelines, 2015. Collection method: clinical testing. Allele origin: germline. Observed: 1 variant allele.
Comment: BS1, BP4, BP5, BP7

Molecular Diagnostic Laboratory for Inherited Cardiovascular Disease, Montreal Heart Institute
Classification: Benign. Last evaluated: 2025-04-09. Review status: criteria provided, single submitter. Criteria: ACMG Guidelines, 2015. Collection method: clinical testing. Allele origin: germline. Affected: no.

Blueprint Genetics
Classification: Likely benign. Last evaluated: 2024-11-12. Review status: criteria provided, single submitter. Criteria: ACMG Guidelines, 2015. Collection method: clinical testing. Allele origin: germline.

Women's Health and Genetics/Laboratory Corporation of America, LabCorp
Classification: Benign. Last evaluated: 2023-05-18. Review status: criteria provided, single submitter. Criteria: LabCorp Variant Classification Summary - May 2015. Collection method: clinical testing. Allele origin: germline.

Ambry Genetics
Classification: Likely benign for Cardiovascular phenotype. Last evaluated: 2017-08-30. Review status: criteria provided, single submitter. Criteria: Ambry Variant Classification Scheme 2023. Collection method: clinical testing. Allele origin: germline.

GeneDx
Classification: Benign. Last evaluated: 2015-03-03. Review status: criteria provided, single submitter. Criteria: GeneDx Variant Classification Process June 2021. Collection method: clinical testing. Allele origin: germline. Affected: yes.

Eurofins Ntd Llc (ga)
Classification: Uncertain significance. Last evaluated: 2015-01-30. Review status: criteria provided, single submitter. Criteria: EGL Classification Definitions 2015. Collection method: clinical testing. Allele origin: germline. Observed: 1 variant allele, 1 heterozygote.

NM_000719.7(CACNA1C):c.1707A>G (p.Ala569=)

Gene: CACNA1C (calcium voltage-gated channel subunit alpha1 C; plus strand). Cytogenetic location: 12p13.33.
Variant type: single nucleotide variant.
Coding change: c.1707A>G on transcript NM_000719.7 (MANE Select); coding-DNA position 1707, A replaced by G.
Protein change: p.Ala569=; no amino-acid change (alanine 569 retained).
Molecular consequence: synonymous variant.
Genome position (GRCh38, 1-based): chr12:2,567,606, A>G. VCF-style: chr12-2567606-A-G. GRCh37 (hg19) VCF-style: chr12-2676772-A-G.
Other names: p.Ala569=; c.1707A>G, p.Ala569= (NM_001129827.2, NM_001129829.2, NM_001129830.3 and 18 more transcripts); c.1698A>G, p.Ala566= (NM_001129844.2).
Identifiers: ClinVar variation 194184 (VCV000194184.48), dbSNP rs375534041, ClinGen allele CA240034.
Genomic context (GRCh38, chr12:2,567,606, plus strand): 5'-CATCCCTCTCCTGGGCCTGCCAGACACGGCAAACAAGGCCCTGCTGGCCCTGTTCACGGC[A>G]GAGATGCTCCTGAAGATGTACAGCCTGGGCCTGCAGGCCTACTTCGTGTCCCTCTTCAAC-3'
Protein context (NP_000710.5, residues 559-579): ANKALLALFT[Ala569=]EMLLKMYSLG